The following is an entry in ClinVar:

NM_032119.4(ADGRV1):c.1131T>G (p.Ser377=)

Gene: ADGRV1 (adhesion G protein-coupled receptor V1; plus strand). Cytogenetic location: 5q14.3.
Variant type: single nucleotide variant.
Coding change: c.1131T>G on transcript NM_032119.4 (MANE Select); coding-DNA position 1131, T replaced by G.
Protein change: p.Ser377=; no amino-acid change (serine 377 retained).
Molecular consequence: synonymous variant. On other transcripts: non-coding transcript variant (1).
Genome position (GRCh38, 1-based): chr5:90,627,669, T>G. VCF-style: chr5-90627669-T-G. GRCh37 (hg19) VCF-style: chr5-89923486-T-G.
Identifiers: ClinVar variation 284591 (VCV000284591.55), dbSNP rs200435877, ClinGen allele CA3338615.

ClinVar aggregate classification (germline): Benign/Likely benign. Review status: criteria provided, multiple submitters, no conflicts (2 of 4 stars). 9 submissions from 9 submitters: Benign (2); Likely benign (4). 3 of the submissions do not count toward it. Last evaluated 2026-01-26.

Conditions:
ADGRV1-related disorder. Also called: ADGRV1-related condition; ADGRV1-related disorders.

Allele frequency attached by ClinVar (database versions not stated): gnomAD exomes 0.00062; ExAC 0.00071; 1000 Genomes Project 30x 0.00109; 1000 Genomes Project 0.00120; TOPMed 0.00015; ESP Exome Variant Server 0.00017.
gnomAD v4.1: 482 of 1,613,848 alleles (0.03%); highest among the groups gnomAD compares: South Asian, 0.37%; 4 homozygotes.

Submissions (9):

Labcorp Genetics (formerly Invitae), Labcorp
Classification: Benign. Last evaluated: 2026-01-26. Review status: criteria provided, single submitter. Criteria: Invitae Variant Classification Sherloc (09022015). Collection method: clinical testing. Allele origin: germline.

Blueprint Genetics
Classification: Likely benign. Last evaluated: 2024-09-20. Review status: criteria provided, single submitter. Criteria: ACMG Guidelines, 2015. Collection method: clinical testing. Allele origin: germline.

CeGaT Center for Human Genetics Tuebingen
Classification: Likely benign. Last evaluated: 2023-01-01. Review status: criteria provided, single submitter. Criteria: CeGaT Center For Human Genetics Tuebingen Variant Classification Criteria Version 2. Collection method: clinical testing. Allele origin: germline. Affected: yes. Observed: 1 variant allele.
Comment: ADGRV1: BP4, BP7

GeneDx
Classification: Likely benign. Last evaluated: 2021-05-26. Review status: criteria provided, single submitter. Criteria: GeneDx Variant Classification Process June 2021. Collection method: clinical testing. Allele origin: germline. Affected: yes.

Laboratory for Molecular Medicine, Mass General Brigham Personalized Medicine
Classification: Benign. Last evaluated: 2016-04-21. Review status: criteria provided, single submitter. Criteria: LMM Criteria. Collection method: clinical testing. Allele origin: germline. Observed: 1 variant allele.
Comment: p.Ser377Ser in Exon 07 of GPR98: This variant is not expected to have clinical s ignificance because it does not alter an amino acid residue and is not located w ithin the splice consensus sequence. It has been identified in 0.5% (75/16327) o f South Asian chromosomes by the Exome Aggregation Consortium (ExAC .; dbSNP rs200435877)

Eurofins Ntd Llc (ga)
Classification: Likely benign. Last evaluated: 2015-11-19. Review status: criteria provided, single submitter. Criteria: EGL Classification Definitions 2015. Collection method: clinical testing. Allele origin: germline. Observed: 1 variant allele, 1 heterozygote.

PreventionGenetics, part of Exact Sciences
Classification: Likely benign for ADGRV1-related condition. Last evaluated: 2020-03-03. Review status: no assertion criteria provided. Collection method: clinical testing. Allele origin: germline. Not counted in ClinVar's aggregate classification.
Comment: This variant is classified as likely benign based on ACMG/AMP sequence variant interpretation guidelines (Richards et al. 2015 PMID: 25741868, with internal and published modifications).

Clinical Genetics DNA and cytogenetics Diagnostics Lab, Erasmus MC, Erasmus Medical Center
Classification: Likely benign. Review status: no assertion criteria provided. Collection method: clinical testing. Allele origin: germline. Affected: yes. Study: VKGL Data-share Consensus. Not counted in ClinVar's aggregate classification.

Clinical Genetics, Academic Medical Center
Classification: Likely benign. Review status: no assertion criteria provided. Collection method: clinical testing. Allele origin: germline. Affected: yes. Study: VKGL Data-share Consensus. Not counted in ClinVar's aggregate classification.